The following is an entry in ClinVar:

ClinVar aggregate classification (germline): Uncertain significance (1 of 4 stars; one submission).

gnomAD v4.1: 4 of 1,208,524 alleles (0.00033%); highest among the groups gnomAD compares: Non-Finnish European, 0.00045%; no homozygotes.

Submission:

Labcorp Genetics (formerly Invitae), Labcorp
Classification: Uncertain significance. Last evaluated: 2025-12-31. Review status: criteria provided, single submitter. Criteria: Invitae Variant Classification Sherloc (09022015). Collection method: clinical testing. Allele origin: germline.
Comment: This sequence change replaces leucine, which is neutral and non-polar, with proline, which is neutral and non-polar, at codon 631 of the CLCN5 protein (p.Leu631Pro). This variant is present in population databases (rs782795970, gnomAD 0.001%). This missense change has been observed in individual(s) with polycystic kidney disease (PMID: 37078890). This variant is also known as p.Leu701Pro. Invitae Evidence Modeling of protein sequence and biophysical properties (such as structural, functional, and spatial information, amino acid conservation, physicochemical variation, residue mobility, and thermodynamic stability) has been performed for this missense variant. However, the output from this modeling did not meet the statistical confidence thresholds required to predict the impact of this variant on CLCN5 protein function. In summary, the available evidence is currently insufficient to determine the role of this variant in disease. Therefore, it has been classified as a Variant of Uncertain Significance.

Literature cited by the submitters: PubMed 37078890.

NM_001127898.4(CLCN5):c.2102T>C (p.Leu701Pro)

Genes: CLCN5 (chloride voltage-gated channel 5; plus strand), LOC126863258 (BRD4-independent group 4 enhancer GRCh37_chrX:49854497-49855696; plus strand). Cytogenetic location: Xp11.23.
Variant type: single nucleotide variant.
Coding change: c.2102T>C on transcript NM_001127898.4 (MANE Select); coding-DNA position 2102, T replaced by C.
Protein change: p.Leu701Pro; replaces leucine 701 with proline.
Molecular consequence: missense variant. On other transcripts: non-coding transcript variant (1).
Genome position (GRCh38, 1-based): chrX:50,090,473, T>C. VCF-style: chrX-50090473-T-C. GRCh37 (hg19) VCF-style: chrX-49855130-T-C.
Other names: c.1892T>C, p.Leu631Pro (NM_000084.5); c.2102T>C, p.Leu701Pro (NM_001127899.4); c.1952T>C, p.Leu651Pro (NM_001282163.2); c.2114T>C, p.Leu705Pro (NM_001440756.1, NM_001440757.1); short protein forms L705P, L631P, L651P, L701P.
Identifiers: ClinVar variation 4694593 (VCV004694593.1).
Genomic context (GRCh38, chrX:50,090,473, plus strand): 5'-TAATCAGTGAAACCACTTACAGTGGCTTCCCAGTGGTGGTATCCCGGGAGTCCCAAAGAC[T>C]TGTGGGCTTTGTCCTCCGAAGAGATCTCATTATTTCAATTGGTAAGGATTTCAGAAAGGG-3'
Protein context (NP_001121370.1, residues 691-711): PVVVSRESQR[Leu701Pro]VGFVLRRDLI